The following is an entry in ClinVar:

ClinVar aggregate classification (germline): Pathogenic (1 of 4 stars; one submission).

Conditions:
Arrhythmogenic right ventricular dysplasia 8 (ARVD8). Also called: ARRHYTHMOGENIC RIGHT VENTRICULAR DYSPLASIA, FAMILIAL, 8; ARRHYTHMOGENIC RIGHT VENTRICULAR CARDIOMYOPATHY 8; Arrhythmogenic Right Ventricular Dysplasia/Cardiomyopathy 8. Identifiers: MedGen C1843896, MONDO:0011831, OMIM 607450.

Submission:

Victorian Clinical Genetics Services, Murdoch Childrens Research Institute
Classification: Pathogenic for Arrhythmogenic right ventricular dysplasia 8. Last evaluated: 2022-02-02. Review status: criteria provided, single submitter. Criteria: ACMG Guidelines, 2015. Collection method: clinical testing. Allele origin: germline. Inheritance: Autosomal dominant inheritance. Affected: yes.
Comment: Based on the classification scheme VCGS_Germline_v1.3.4, this variant is classified as Pathogenic. Following criteria are met: 0102 - Loss of function is a known mechanism of disease in this gene and is associated with ARVC (MIM#607450) and other DSP-related cardiac disorders. (I) 0108 - This gene is associated with both recessive and dominant disease. Variants in this gene are usually inherited in a dominant manner, however rare reports of recessive inheritance have resulted in a more severe cardiac phenotype (OMIM). (I) 0115 - Variants in this gene are known to have variable expressivity. Age-dependent penetrance and variable expressivity are well-described aspects of arrhythmogenic cardiomyopathy (PMID: 29062697). (I) 0201 - Variant is predicted to cause nonsense-mediated decay (NMD) and loss of protein (premature termination codon is located at least 54 nucleotides upstream of the final exon-exon junction). (SP) 0251 - This variant is heterozygous. (I) 0301 - Variant is absent from gnomAD (both v2 and v3). (SP) 0701 - Other NMD predicted variants comparable to the one identified in this case have very strong previous evidence for pathogenicity (ClinVar). (SP) 0807 - This variant has no previous evidence of pathogenicity. (I) 0905 - No published segregation evidence has been identified for this variant. (I) 1007 - No published functional evidence has been identified for this variant. (I) 1208 - Inheritance information for this variant is not currently available in this individual. (I) Legend: (SP) - Supporting pathogenic, (I) - Information, (SB) - Supporting benign

Literature cited by the submitters: PubMed 29062697.

NM_004415.4(DSP):c.3407del (p.Lys1136fs)

Gene: DSP (desmoplakin; plus strand). Cytogenetic location: 6p24.3.
Variant type: Deletion.
Coding change: c.3407del on transcript NM_004415.4 (MANE Select); coding-DNA position 3407, one base deleted (A; older notation c.3407delA).
Protein change: p.Lys1136fs; shifts the reading frame from lysine 1136.
Molecular consequence: frameshift variant.
Genome position (GRCh38, 1-based): chr6:7,579,597, A deleted; the last of 2 consecutive A bases (chr6:7,579,596-7,579,597); deleting either gives the same sequence. VCF-style (leftmost placement, unchanged base first): chr6-7579595-GA-G. GRCh37 (hg19) VCF-style: chr6-7579828-GA-G.
Other names: c.3407del, p.Lys1136fs (NM_001008844.3, NM_001319034.2); short protein forms K1136fs.
Identifiers: ClinVar variation 3376585 (VCV003376585.1).